The following is an entry in ClinVar:

ClinVar aggregate classification (germline): Uncertain significance (1 of 4 stars; one submission).

Conditions:
Aicardi-Goutieres syndrome 2. Identifiers: Orphanet 51, MedGen C3489724, MONDO:0012429, OMIM 610181.

Submission:

Myriad Genetics, Inc.
Classification: Uncertain significance for Aicardi-Goutieres syndrome 2. Last evaluated: 2025-10-24. Review status: criteria provided, single submitter. Criteria: Myriad Autosomal Dominant, Autosomal Recessive and X-Linked Classification Criteria (2023). Collection method: clinical testing. Allele origin: unknown.
Comment: NM_024570.3(RNASEH2B):c.922_925delAAAA(K308Lfs*26) is a frameshift variant that results in protein elongation classified as a variant of uncertain significance in the context of Aicardi-Goutires syndrome, RNASEH2B-related. K308Lfs*26 has not been observed in cases with relevant disease. Relevant functional assessments of this variant are not available in the literature. K308Lfs*26 has been observed in referenced population frequency databases. In summary, there is insufficient evidence to classify NM_024570.3(RNASEH2B):c.922_925delAAAA(K308Lfs*26) as pathogenic or benign. Please note: this variant was assessed in the context of healthy population screening.

NM_024570.4(RNASEH2B):c.922_925del (p.Lys308fs)

Gene: RNASEH2B (ribonuclease H2 subunit B; plus strand). Cytogenetic location: 13q14.3.
Variant type: Deletion.
Coding change: c.922_925del on transcript NM_024570.4 (MANE Select); coding-DNA positions 922 to 925, 4 bases deleted (AAAA; older notation c.922_925delAAAA).
Protein change: p.Lys308fs; shifts the reading frame from lysine 308.
Molecular consequence: frameshift variant. On other transcripts: intron variant (2).
Genome position (GRCh38, 1-based): chr13:50,956,457-50,956,460, AAAA deleted; deleting any 4 consecutive bases within chr13:50,956,451-50,956,460 gives the same sequence; the c. name uses the placement nearest the transcript's 3' end. VCF-style (leftmost placement, unchanged base first): chr13-50956450-TAAAA-T. GRCh37 (hg19) VCF-style: chr13-51530586-TAAAA-T.
Other names: c.741+6952_741+6955del (NM_001142279.2); c.742-3688_742-3685del (NM_001411023.1); short protein forms K308fs.
Identifiers: ClinVar variation 5004234 (VCV005004234.1).